The following is an entry in ClinVar:

ClinVar aggregate classification (germline): Benign. Review status: criteria provided, multiple submitters, no conflicts (2 of 4 stars). 3 submissions from 3 submitters: Benign (2). 1 of the submissions does not count toward it. Last evaluated 2017-08-29.

Conditions:
PTPRT-related disorder. Also called: PTPRT-related condition.

Allele frequency attached by ClinVar (database versions not stated): ExAC 0.00859; 1000 Genomes Project 0.00459; ESP Exome Variant Server 0.00834; gnomAD 0.00795 and 0.00798; gnomAD exomes 0.00855 and 0.00953; 1000 Genomes Project 30x 0.00437; TOPMed 0.00811.
gnomAD v4.1: 15,181 of 1,614,020 alleles (0.94%); highest among the groups gnomAD compares: Middle Eastern, 1.8%; 107 homozygotes.

Submissions (3):

Labcorp Genetics (formerly Invitae), Labcorp
Classification: Benign. Last evaluated: 2017-08-29. Review status: criteria provided, single submitter. Criteria: Invitae Variant Classification Sherloc (09022015). Collection method: clinical testing. Allele origin: germline.

Breakthrough Genomics
Classification: Benign. Review status: criteria provided, single submitter. Criteria: ACMG Guidelines, 2015. Collection method: not provided. Allele origin: germline. Inheritance: Unknown mechanism. Affected: yes.

PreventionGenetics, part of Exact Sciences
Classification: Benign for PTPRT-related condition. Last evaluated: 2019-02-21. Review status: no assertion criteria provided. Collection method: clinical testing. Allele origin: germline. Not counted in ClinVar's aggregate classification.
Comment: This variant is classified as benign based on ACMG/AMP sequence variant interpretation guidelines (Richards et al. 2015 PMID: 25741868, with internal and published modifications).

NM_007050.6(PTPRT):c.1195A>C (p.Arg399=)

Gene: PTPRT (protein tyrosine phosphatase receptor type T; minus strand). Cytogenetic location: 20q12.
Variant type: single nucleotide variant.
Coding change: c.1195A>C on transcript NM_007050.6 (MANE Select); coding-DNA position 1195, A replaced by C.
Protein change: p.Arg399=; no amino-acid change (arginine 399 retained).
Molecular consequence: synonymous variant.
Genome position (GRCh38, 1-based): chr20:42,472,521, T>G on the plus strand (A>C on the coding strand, the complement: PTPRT is on the minus strand). VCF-style: chr20-42472521-T-G. GRCh37 (hg19) VCF-style: chr20-41101161-T-G.
Other names: c.1195A>C, p.Arg399= (NM_133170.4).
Identifiers: ClinVar variation 782062 (VCV000782062.6), dbSNP rs41279254, ClinGen allele CA9864628.